The following is an entry in ClinVar:

NM_006231.4(POLE):c.155G>A (p.Arg52Gln)

Gene: POLE (DNA polymerase epsilon, catalytic subunit; minus strand). Cytogenetic location: 12q24.33.
Variant type: single nucleotide variant.
Coding change: c.155G>A on transcript NM_006231.4 (MANE Select); coding-DNA position 155, G replaced by A.
Protein change: p.Arg52Gln; replaces arginine 52 with glutamine.
Molecular consequence: missense variant.
Genome position (GRCh38, 1-based): chr12:132,681,187, C>T on the plus strand (G>A on the coding strand, the complement: POLE is on the minus strand). VCF-style: chr12-132681187-C-T. GRCh37 (hg19) VCF-style: chr12-133257773-C-T.
Other names: short protein forms R52Q.
Identifiers: ClinVar variation 413598 (VCV000413598.31), dbSNP rs372459649, ClinGen allele CA6894429.

ClinVar aggregate classification (germline): Conflicting classifications of pathogenicity. Review status: criteria provided, conflicting classifications (1 of 4 stars). 8 submissions from 8 submitters: Uncertain significance (3); Benign (1); Likely benign (2). 2 of the submissions do not count toward it. Last evaluated 2026-02-01.

Conditions:
POLE-related disorder. Also called: POLE-related disorders; POLE-related condition.
Hereditary cancer-predisposing syndrome. Also called: Hereditary neoplastic syndrome; Hereditary Cancer Syndrome; Tumor predisposition; Neoplastic Syndromes, Hereditary. Identifiers: Orphanet 140162, MedGen C0027672, MeSH D009386, MONDO:0015356.
Carcinoma of colon (CRC). Also called: Colon carcinoma; Colonic carcinoma. Identifiers: MedGen C0699790, MONDO:0002032.
Colorectal cancer, susceptibility to, 12 (CRCS12). Also called: COLORECTAL CANCER, SUSCEPTIBILITY TO, ON CHROMOSOME 12q24. Identifiers: Orphanet 220460, MedGen C3554460, MONDO:0014038, OMIM 615083.

Allele frequency attached by ClinVar (database versions not stated): 1000 Genomes Project 0.00020; gnomAD 0.00004 and 0.00005; ExAC 0.00020; gnomAD exomes 0.00021; ESP Exome Variant Server 0.00008; TOPMed 0.00011; 1000 Genomes Project 30x 0.00016.
gnomAD v4.1: 70 of 1,614,134 alleles (0.0043%); highest among the groups gnomAD compares: Admixed American, 0.072%; no homozygotes.

Submissions (8):

Labcorp Genetics (formerly Invitae), Labcorp
Classification: Likely benign. Last evaluated: 2026-02-01. Review status: criteria provided, single submitter. Criteria: Invitae Variant Classification Sherloc (09022015). Collection method: clinical testing. Allele origin: germline.

GeneDx
Classification: Uncertain significance. Last evaluated: 2025-03-20. Review status: criteria provided, single submitter. Criteria: GeneDx Variant Classification Process June 2021. Collection method: clinical testing. Allele origin: germline. Affected: yes.
Comment: In silico analysis supports that this missense variant has a deleterious effect on protein structure/function; Has not been previously published as pathogenic or benign to our knowledge

Center for Genomic Medicine, Rigshospitalet, Copenhagen University Hospital
Classification: Uncertain significance. Last evaluated: 2025-03-04. Review status: criteria provided, single submitter. Criteria: ACMG Guidelines, 2015. Collection method: clinical testing. Allele origin: germline.

Ambry Genetics
Classification: Likely benign for Hereditary cancer-predisposing syndrome. Last evaluated: 2022-10-30. Review status: criteria provided, single submitter. Criteria: Ambry Variant Classification Scheme 2023. Collection method: clinical testing. Allele origin: germline.

Baylor Genetics
Classification: Uncertain significance for Colorectal cancer, susceptibility to, 12. Last evaluated: 2020-11-25. Review status: criteria provided, single submitter. Criteria: ACMG Guidelines, 2015. Collection method: clinical testing. Allele origin: unknown. Affected: yes. Study: CSER-TexasKidsCanSeq.
Comment: This variant was determined to be of uncertain significance according to ACMG Guidelines, 2015 [PMID:25741868].

Quest Diagnostics Nichols Institute San Juan Capistrano
Classification: Benign. Last evaluated: 2019-04-22. Review status: criteria provided, single submitter. Criteria: Quest Diagnostics criteria. Collection method: clinical testing. Allele origin: germline.

PreventionGenetics, part of Exact Sciences
Classification: Uncertain significance for POLE-related condition. Last evaluated: 2024-08-23. Review status: no assertion criteria provided. Collection method: clinical testing. Allele origin: germline. Not counted in ClinVar's aggregate classification.
Comment: The POLE c.155G>A variant is predicted to result in the amino acid substitution p.Arg52Gln. To our knowledge, this variant has not been reported in the literature. This variant is reported in 0.10% of alleles in individuals of Latino descent in gnomAD. ClinVar lists conflicting interpretations of pathogenicity ranging from benign to a variant of uncertain significance. Although we suspect that this variant may be benign, at this time, the clinical significance of this variant is uncertain due to the absence of conclusive functional and genetic evidence.

Department of Pathology and Laboratory Medicine, Sinai Health System
Classification: Uncertain significance for Carcinoma of colon. Review status: no assertion criteria provided. Collection method: clinical testing. Allele origin: unknown. Affected: yes. Observed: 2 variant alleles. Study: The Canadian Open Genetics Repository (COGR). Not counted in ClinVar's aggregate classification.
Comment: The POLE p.Arg52Gln variant was not identified in the literature nor was it identified in the Cosmic and MutDB databases. The variant was identified in dbSNP (ID: rs372459649) â€šÃ„ÃºWith Uncertain significance alleleâ€šÃ„Ã¹, ClinVar (with conflicting interpretations of pathogenicity, submitters: likely benign by Invitae and Quest Diagnostics Nichols Institute San Juan Capistrano and uncertain significance by GeneDx), Clinvitae (2x), and in control databases in 54 of 277204 chromosomes at a frequency of 0.0002 increasing the likelihood this could be a low frequency benign variant (Genome Aggregation Database Feb 27, 2017). Breakdown of the observations by population include Other in 1 of 6464 chromosomes (freq: 0.0002), Latino in 36 of 34418 chromosomes (freq: 0.001), European Non-Finnish in 3 of 126710 chromosomes (freq: 0.00002), Ashkenazi Jewish in 2 of 10150 chromosomes (freq: 0.0002), and South Asian in 12 of 30782 chromosomes (freq: 0.0004) while not observed in the African, East Asian and European Finnish populations. The p.Arg52 residue is conserved in mammals and computational analyses (PolyPhen-2, SIFT, AlignGVGD, BLOSUM, MutationTaster) provide inconsistent predictions regarding the impact of Gln at this position to the protein; this information is not very predictive of pathogenicity. The variant occurs outside of the splicing consensus sequence and 2 of 5 in silico or computational prediction software programs (SpliceSiteFinder, MaxEntScan, NNSPLICE, GeneSplicer, HumanSpliceFinder) predict a greater than 10% difference in splicing; this is not very predictive of pathogenicity. In summary, based on the above information the clinical significance of this variant cannot be determined with certainty at this time. This variant is classified as a variant of uncertain significance.